The following is an entry in ClinVar:

ClinVar aggregate classification (germline): Uncertain significance (1 of 4 stars; one submission).

Submission:

Ambry Genetics
Classification: Uncertain significance. Last evaluated: 2023-11-21. Review status: criteria provided, single submitter. Criteria: Ambry Variant Classification Scheme 2023. Collection method: clinical testing. Allele origin: germline.
Comment: The p.Q339K variant (also known as c.1015C>A), located in coding exon 11 of the PRKDC gene, results from a C to A substitution at nucleotide position 1015. The glutamine at codon 339 is replaced by lysine, an amino acid with similar properties. This amino acid position is conserved. In addition, this alteration is predicted to be tolerated by in silico analysis. Since supporting evidence is limited at this time, the clinical significance of this alteration remains unclear.

NM_006904.7(PRKDC):c.1015C>A (p.Gln339Lys)

Gene: PRKDC (protein kinase, DNA-activated, catalytic subunit; minus strand). Cytogenetic location: 8q11.21.
Variant type: single nucleotide variant.
Coding change: c.1015C>A on transcript NM_006904.7 (MANE Select); coding-DNA position 1015, C replaced by A.
Protein change: p.Gln339Lys; replaces glutamine 339 with lysine.
Molecular consequence: missense variant.
Genome position (GRCh38, 1-based): chr8:47,939,649, G>T on the plus strand (C>A on the coding strand, the complement: PRKDC is on the minus strand). VCF-style: chr8-47939649-G-T. GRCh37 (hg19) VCF-style: chr8-48852209-G-T.
Other names: c.1015C>A, p.Gln339Lys (NM_001081640.2); short protein forms Q339K.
Identifiers: ClinVar variation 3225701 (VCV003225701.1), dbSNP rs2551880147, ClinGen allele CA371166769.
Genomic context (GRCh38, chr8:47,939,649, plus strand): 5'-ACTCCTTGTTGTTCGAATCCACATTTCTGATGATTCCATAAAACTGCTCCATAAAGTACT[G>T]CAGTTTATTTTTATGCATTTCTGCATTTTTCGCCACCATATTAGAAACCTGCAAATACAT-3'
Protein context (NP_008835.5, residues 329-349): KNAEMHKNKL[Gln339Lys]YFMEQFYGII